The following is an entry in ClinVar:

ClinVar aggregate classification (germline): Uncertain significance (1 of 4 stars; one submission).

Allele frequency attached by ClinVar (database versions not stated): TOPMed 0.00001.

Submission:

Labcorp Genetics (formerly Invitae), Labcorp
Classification: Uncertain significance. Last evaluated: 2022-03-15. Review status: criteria provided, single submitter. Criteria: Invitae Variant Classification Sherloc (09022015). Collection method: clinical testing. Allele origin: germline.
Comment: In summary, the available evidence is currently insufficient to determine the role of this variant in disease. Therefore, it has been classified as a Variant of Uncertain Significance. Algorithms developed to predict the effect of missense changes on protein structure and function are either unavailable or do not agree on the potential impact of this missense change (SIFT: "Deleterious"; PolyPhen-2: "Probably Damaging"; Align-GVGD: "Class C0"). This missense change has been observed in individual(s) with clinical features of a neurodevelopmental syndrome (Invitae). This variant is not present in population databases (gnomAD no frequency). This sequence change replaces serine, which is neutral and polar, with cysteine, which is neutral and slightly polar, at codon 191 of the SETD5 protein (p.Ser191Cys).

NM_001080517.3(SETD5):c.572C>G (p.Ser191Cys)

Gene: SETD5 (SET domain containing 5; plus strand). Cytogenetic location: 3p25.3.
Variant type: single nucleotide variant.
Coding change: c.572C>G on transcript NM_001080517.3 (MANE Select); coding-DNA position 572, C replaced by G.
Protein change: p.Ser191Cys; replaces serine 191 with cysteine.
Molecular consequence: missense variant.
Genome position (GRCh38, 1-based): chr3:9,440,460, C>G. VCF-style: chr3-9440460-C-G. GRCh37 (hg19) VCF-style: chr3-9482144-C-G.
Other names: c.278C>G, p.Ser93Cys (NM_001292043.2, NM_001349451.2); short protein forms S191C, S93C.
Identifiers: ClinVar variation 2162709 (VCV002162709.4), dbSNP rs1468673040, ClinGen allele CA351686888.
Genomic context (GRCh38, chr3:9,440,460, plus strand): 5'-CCAACCCTCTATTTATGCATGGACTTTACTAACCTCCCTGAATTTGTTTTCTACAGAATT[C>G]TCCCTCTGAAGCACAGAATTTAGATGAGAATACAACTGAGGGCTGGGAAAATCGGATAAG-3'
Protein context (NP_001073986.1, residues 181-201): AAPKTKKIKN[Ser191Cys]PSEAQNLDEN